The following is an entry in ClinVar:

ClinVar aggregate classification (germline): Uncertain significance (1 of 4 stars; one submission).

Conditions:
Early-infantile DEE. Also called: Ohtahara syndrome; Early infantile epileptic encephalopathy; Early infantile epileptic encephalopathy with suppression bursts. Identifiers: Orphanet 1934, MedGen C0393706, MONDO:0800491.

Allele frequency attached by ClinVar (database versions not stated): gnomAD exomes below 0.00001.
gnomAD v4.1: 3 of 1,613,736 alleles (0.00019%); highest among the groups gnomAD compares: Non-Finnish European, 0.00017%; no homozygotes.

Submission:

Labcorp Genetics (formerly Invitae), Labcorp
Classification: Uncertain significance for Early-infantile DEE. Last evaluated: 2026-01-23. Review status: criteria provided, single submitter. Criteria: Invitae Variant Classification Sherloc (09022015). Collection method: clinical testing. Allele origin: germline.
Comment: This sequence change replaces arginine, which is basic and polar, with tryptophan, which is neutral and slightly polar, at codon 4 of the SCN8A protein (p.Arg4Trp). This variant is not present in population databases (gnomAD no frequency). This variant has not been reported in the literature in individuals affected with SCN8A-related conditions. ClinVar contains an entry for this variant (Variation ID: 1020681). Invitae Evidence Modeling of protein sequence and biophysical properties (such as structural, functional, and spatial information, amino acid conservation, physicochemical variation, residue mobility, and thermodynamic stability) indicates that this missense variant is not expected to disrupt SCN8A protein function with a negative predictive value of 95%. In summary, the available evidence is currently insufficient to determine the role of this variant in disease. Therefore, it has been classified as a Variant of Uncertain Significance.

NM_001330260.2(SCN8A):c.10C>T (p.Arg4Trp)

Genes: SCN8A (sodium voltage-gated channel alpha subunit 8; plus strand), LOC114803470 (SCN8A eExon liver enhancer; plus strand). Cytogenetic location: 12q13.13.
Variant type: single nucleotide variant.
Coding change: c.10C>T on transcript NM_001330260.2 (MANE Select); coding-DNA position 10, C replaced by T.
Protein change: p.Arg4Trp; replaces arginine 4 with tryptophan.
Molecular consequence: missense variant.
Genome position (GRCh38, 1-based): chr12:51,662,827, C>T. VCF-style: chr12-51662827-C-T. GRCh37 (hg19) VCF-style: chr12-52056611-C-T.
Other names: c.10C>T, p.Arg4Trp (NM_001177984.3, NM_001369788.1, NM_014191.4); short protein forms R4W.
Identifiers: ClinVar variation 1020681 (VCV001020681.9), dbSNP rs1940949996, ClinGen allele CA385227396.